The following is an entry in ClinVar:

ClinVar aggregate classification (germline): Uncertain significance (1 of 4 stars; one submission).

Conditions:
Retinitis pigmentosa 59 (RP59). Identifiers: Orphanet 791, MedGen C3151227, MONDO:0013468, OMIM 613861.

Allele frequency attached by ClinVar (database versions not stated): gnomAD exomes below 0.00001.
gnomAD v4.1: 2 of 1,614,138 alleles (0.00012%); highest among the groups gnomAD compares: Admixed American, 0.0017%; no homozygotes.

Submission:

Labcorp Genetics (formerly Invitae), Labcorp
Classification: Uncertain significance for Retinitis pigmentosa 59. Last evaluated: 2024-06-04. Review status: criteria provided, single submitter. Criteria: Invitae Variant Classification Sherloc (09022015). Collection method: clinical testing. Allele origin: germline.
Comment: This sequence change falls in intron 2 of the DHDDS gene. It does not directly change the encoded amino acid sequence of the DHDDS protein. It affects a nucleotide within the consensus splice site. This variant is not present in population databases (gnomAD no frequency). This variant has not been reported in the literature in individuals affected with DHDDS-related conditions. Variants that disrupt the consensus splice site are a relatively common cause of aberrant splicing (PMID: 17576681, 9536098). Algorithms developed to predict the effect of sequence changes on RNA splicing suggest that this variant is not likely to affect RNA splicing. In summary, the available evidence is currently insufficient to determine the role of this variant in disease. Therefore, it has been classified as a Variant of Uncertain Significance.

Literature cited by the submitters: PubMed 17576681; PubMed 9536098.

NM_205861.3(DHDDS):c.63+6C>T

Gene: DHDDS (dehydrodolichyl diphosphate synthase subunit; plus strand). Cytogenetic location: 1p36.11.
Variant type: single nucleotide variant.
Coding change: c.63+6C>T on transcript NM_205861.3 (MANE Select); 6 bases into the intron after coding-DNA position 63, C replaced by T.
Molecular consequence: intron variant.
Genome position (GRCh38, 1-based): chr1:26,433,014, C>T. VCF-style: chr1-26433014-C-T. GRCh37 (hg19) VCF-style: chr1-26759505-C-T.
Other names: c.-240+6C>T (NM_001319959.2); c.63+6C>T (NM_024887.4, NM_001243564.2, NM_001243565.2).
Identifiers: ClinVar variation 2955232 (VCV002955232.3), dbSNP rs758404315, ClinGen allele CA2644276108.